The following is an entry in ClinVar:

ClinVar aggregate classification (germline): Uncertain significance (1 of 4 stars; one submission).

Conditions:
Inborn genetic diseases. Identifiers: MedGen C0950123, MeSH D030342.

Submission:

Ambry Genetics
Classification: Uncertain significance for Inborn genetic diseases. Last evaluated: 2025-07-17. Review status: criteria provided, single submitter. Criteria: Ambry Variant Classification Scheme 2023. Collection method: clinical testing. Allele origin: germline.
Comment: The p.R317G variant (also known as c.949A>G), located in coding exon 7 of the BUB1B gene, results from an A to G substitution at nucleotide position 949. The arginine at codon 317 is replaced by glycine, an amino acid with dissimilar properties. This amino acid position is conserved. In addition, this alteration is predicted to be tolerated by in silico analysis. Since supporting evidence is limited at this time, the clinical significance of this alteration remains unclear.

NM_001211.6(BUB1B):c.949A>G (p.Arg317Gly)

Gene: BUB1B (BUB1 mitotic checkpoint serine/threonine kinase B; plus strand). Cytogenetic location: 15q15.1.
Variant type: single nucleotide variant.
Coding change: c.949A>G on transcript NM_001211.6 (MANE Select); coding-DNA position 949, A replaced by G.
Protein change: p.Arg317Gly; replaces arginine 317 with glycine.
Molecular consequence: missense variant.
Genome position (GRCh38, 1-based): chr15:40,185,362, A>G. VCF-style: chr15-40185362-A-G. GRCh37 (hg19) VCF-style: chr15-40477563-A-G.
Other names: short protein forms R317G.
Identifiers: ClinVar variation 2565475 (VCV002565475.3), dbSNP rs2542535769, ClinGen allele CA391684843.